The following is an entry in ClinVar:

ClinVar aggregate classification (germline): Uncertain significance. Review status: criteria provided, multiple submitters, no conflicts (2 of 4 stars). 2 submissions from 2 submitters: Uncertain significance (2). Last evaluated 2024-06-14.

Conditions:
Hereditary cancer-predisposing syndrome. Also called: Hereditary Cancer Syndrome; Tumor predisposition; Hereditary neoplastic syndrome; Neoplastic Syndromes, Hereditary. Identifiers: Orphanet 140162, MedGen C0027672, MeSH D009386, MONDO:0015356.
Familial adenomatous polyposis 1 (FAP1). Also called: FAMILIAL ADENOMATOUS POLYPOSIS 1, ATTENUATED; POLYPOSIS, ADENOMATOUS INTESTINAL. Identifiers: MedGen C2713442, MONDO:0021056, OMIM 175100. Disease mechanism: loss of function.

Allele frequency attached by ClinVar (database versions not stated): gnomAD exomes below 0.00001.
gnomAD v4.1: 1 of 1,613,672 alleles (0.000062%); highest among the groups gnomAD compares: South Asian, 0.0011%; no homozygotes.

Submissions (2):

Ambry Genetics
Classification: Uncertain significance for Hereditary cancer-predisposing syndrome. Last evaluated: 2024-06-14. Review status: criteria provided, single submitter. Criteria: Ambry Variant Classification Scheme 2023. Collection method: clinical testing. Allele origin: germline.
Comment: The p.S2580F variant (also known as c.7739C>T), located in coding exon 15 of the APC gene, results from a C to T substitution at nucleotide position 7739. The serine at codon 2580 is replaced by phenylalanine, an amino acid with highly dissimilar properties. This amino acid position is highly conserved in available vertebrate species. In addition, in silico predictors for this gene do not accurately predict pathogenicity. Missense alterations in APC are not a common cause of disease (Spier I et al. Genet Med. 2024 Feb;26(2):100992). Based on the available evidence, the clinical significance of this variant remains unclear.

Labcorp Genetics (formerly Invitae), Labcorp
Classification: Uncertain significance for Familial adenomatous polyposis 1. Last evaluated: 2024-02-23. Review status: criteria provided, single submitter. Criteria: Invitae Variant Classification Sherloc (09022015). Collection method: clinical testing. Allele origin: germline.
Comment: This sequence change replaces serine, which is neutral and polar, with phenylalanine, which is neutral and non-polar, at codon 2580 of the APC protein (p.Ser2580Phe). This variant is not present in population databases (gnomAD no frequency). This variant has not been reported in the literature in individuals affected with APC-related conditions. ClinVar contains an entry for this variant (Variation ID: 647268). Advanced modeling of protein sequence and biophysical properties (such as structural, functional, and spatial information, amino acid conservation, physicochemical variation, residue mobility, and thermodynamic stability) performed at Invitae indicates that this missense variant is not expected to disrupt APC protein function with a negative predictive value of 95%. In summary, the available evidence is currently insufficient to determine the role of this variant in disease. Therefore, it has been classified as a Variant of Uncertain Significance.

NM_000038.6(APC):c.7739C>T (p.Ser2580Phe)

Gene: APC (APC regulator of Wnt signaling pathway; plus strand). Cytogenetic location: 5q22.2.
Variant type: single nucleotide variant.
Coding change: c.7739C>T on transcript NM_000038.6 (MANE Select); coding-DNA position 7739, C replaced by T.
Protein change: p.Ser2580Phe; replaces serine 2580 with phenylalanine.
Molecular consequence: missense variant.
Genome position (GRCh38, 1-based): chr5:112,843,333, C>T. VCF-style: chr5-112843333-C-T. GRCh37 (hg19) VCF-style: chr5-112179030-C-T.
Other names: c.7739C>T, p.Ser2580Phe (NM_001127510.3, NM_001354895.2); c.7685C>T, p.Ser2562Phe (NM_001127511.3); c.7793C>T, p.Ser2598Phe (NM_001354896.2); c.7769C>T, p.Ser2590Phe (NM_001354897.2); c.7664C>T, p.Ser2555Phe (NM_001354898.2); c.7655C>T, p.Ser2552Phe (NM_001354899.2); c.7616C>T, p.Ser2539Phe (NM_001354900.2); c.7562C>T, p.Ser2521Phe (NM_001354901.2); and 5 more; short protein forms S2420F, S2454F, S2489F, S2521F, S2562F, S2297F, S2539F, S2552F.
Identifiers: ClinVar variation 647268 (VCV000647268.13), dbSNP rs1012830859, ClinGen allele CA16038139.
Genomic context (GRCh38, chr5:112,843,333, plus strand): 5'-GAGTAAGCACTTGGAGAAGAACTGGAAGTTCATCTTCAATTCTTTCTGCTTCATCAGAAT[C>T]CAGTGAAAAAGCAAAAAGTGAGGATGAAAAACATGTGAACTCTATTTCAGGAACCAAACA-3'
Protein context (NP_000029.2, residues 2570-2590): SSSILSASSE[Ser2580Phe]SEKAKSEDEK